The following is an entry in ClinVar:

NM_007294.4(BRCA1):c.4082del (p.Met1361fs)

Genes: BRCA1 (BRCA1 DNA repair associated; minus strand), LOC126862571 (BRD4-independent group 4 enhancer GRCh37_chr17:41243136-41244335; plus strand). Cytogenetic location: 17q21.31.
Variant type: Deletion.
Coding change: c.4082del on transcript NM_007294.4 (MANE Select); coding-DNA position 4082, one base deleted (T; older notation c.4082delT).
Protein change: p.Met1361fs; shifts the reading frame from methionine 1361.
Molecular consequence: frameshift variant. On other transcripts: intron variant (135).
Genome position (GRCh38, 1-based): chr17:43,091,449, A deleted on the plus strand (T on the coding strand, the reverse complement: BRCA1 is on the minus strand). VCF-style (leftmost placement, unchanged base first): chr17-43091448-CA-C. GRCh37 (hg19) VCF-style: chr17-41243465-CA-C.
Other names: c.4001del, p.Met1334fs (NM_001407660.1, NM_001407661.1, NM_001407662.1 and 1 more transcripts); c.4004del, p.Met1335fs (NM_001407663.1, NM_001407653.1, NM_001407654.1 and 4 more transcripts); c.3959del, p.Met1320fs (NM_001407664.1, NM_001407665.1, NM_001407666.1 and 19 more transcripts); c.3956del, p.Met1319fs (NM_001407670.1, NM_001407671.1, NM_001407672.1 and 11 more transcripts); c.4082del, p.Met1361fs (NM_001407621.1, NM_001407622.1, NM_001407623.1 and 30 more transcripts); c.4079del, p.Met1360fs (NM_001407627.1, NM_001407628.1, NM_001407629.1 and 22 more transcripts); c.4073del, p.Met1358fs (NM_001407646.1, NM_001407647.1); c.3941del, p.Met1314fs (NM_001407692.1, NM_001407694.1, NM_001407695.1 and 29 more transcripts); and 41 more; short protein forms M1065fs, M1193fs, M1233fs, M1234fs, M1249fs, M1250fs, M1272fs, M1273fs.
Identifiers: ClinVar variation 4851779 (VCV004851779.1).

ClinVar aggregate classification (germline): Pathogenic (1 of 4 stars; one submission).

Conditions:
Breast-ovarian cancer, familial, susceptibility to, 1 (BROVCA1). Also called: OVARIAN CANCER, SUSCEPTIBILITY TO; BRCA1 Hereditary Breast and Ovarian Cancer. Identifiers: Orphanet 145, MedGen C2676676, MONDO:0011450, OMIM 604370. Disease mechanism: loss of function.

Submission:

Dasa
Classification: Pathogenic for Breast-ovarian cancer, familial, susceptibility to, 1. Last evaluated: 2025-10-13. Review status: criteria provided, single submitter. Criteria: DASA Assertion Criteria. Collection method: clinical testing. Allele origin: germline.
Comment: NM_007294.4(BRCA1):c.4082del (p.Met1361Argfs*5) introduces a premature termination codon predicted to result in loss of normal protein function. Loss-of-function is an established mechanism of disease for this gene. Based on the available data, this variant is classified as pathogenic.